The following is an entry in ClinVar:

ClinVar aggregate classification (germline): Uncertain significance. Review status: criteria provided, multiple submitters, no conflicts (2 of 4 stars). 2 submissions from 2 submitters: Uncertain significance (2). Last evaluated 2026-04-05.

Conditions:
Familial adenomatous polyposis 1 (FAP1). Also called: FAMILIAL ADENOMATOUS POLYPOSIS 1, ATTENUATED; POLYPOSIS, ADENOMATOUS INTESTINAL. Identifiers: MedGen C2713442, MONDO:0021056, OMIM 175100. Disease mechanism: loss of function.
Hereditary cancer-predisposing syndrome. Also called: Hereditary neoplastic syndrome; Neoplastic Syndromes, Hereditary; Tumor predisposition; Hereditary Cancer Syndrome. Identifiers: Orphanet 140162, MedGen C0027672, MeSH D009386, MONDO:0015356.

Submissions (2):

Ambry Genetics
Classification: Uncertain significance for Hereditary cancer-predisposing syndrome. Last evaluated: 2026-04-05. Review status: criteria provided, single submitter. Criteria: Ambry Variant Classification Scheme 2023. Collection method: clinical testing. Allele origin: germline.
Comment: The p.Y2517N variant (also known as c.7549T>A), located in coding exon 15 of the APC gene, results from a T to A substitution at nucleotide position 7549. The tyrosine at codon 2517 is replaced by asparagine, an amino acid with dissimilar properties. This amino acid position is conserved. In addition, in silico predictors for this gene do not accurately predict pathogenicity. Based on the available evidence, the clinical significance of this variant remains unclear.

Labcorp Genetics (formerly Invitae), Labcorp
Classification: Uncertain significance for Familial adenomatous polyposis 1. Last evaluated: 2025-11-05. Review status: criteria provided, single submitter. Criteria: Invitae Variant Classification Sherloc (09022015). Collection method: clinical testing. Allele origin: germline.
Comment: This sequence change replaces tyrosine, which is neutral and polar, with asparagine, which is neutral and polar, at codon 2517 of the APC protein (p.Tyr2517Asn). This variant is not present in population databases (gnomAD no frequency). This variant has not been reported in the literature in individuals affected with APC-related conditions. Invitae Evidence Modeling of protein sequence and biophysical properties (such as structural, functional, and spatial information, amino acid conservation, physicochemical variation, residue mobility, and thermodynamic stability) indicates that this missense variant is not expected to disrupt APC protein function with a negative predictive value of 95%. In summary, the available evidence is currently insufficient to determine the role of this variant in disease. Therefore, it has been classified as a Variant of Uncertain Significance.

NM_000038.6(APC):c.7549T>A (p.Tyr2517Asn)

Gene: APC (APC regulator of Wnt signaling pathway; plus strand). Cytogenetic location: 5q22.2.
Variant type: single nucleotide variant.
Coding change: c.7549T>A on transcript NM_000038.6 (MANE Select); coding-DNA position 7549, T replaced by A.
Protein change: p.Tyr2517Asn; replaces tyrosine 2517 with asparagine.
Molecular consequence: missense variant. On other transcripts: non-coding transcript variant (2).
Genome position (GRCh38, 1-based): chr5:112,843,143, T>A. VCF-style: chr5-112843143-T-A. GRCh37 (hg19) VCF-style: chr5-112178840-T-A.
Other names: c.7549T>A, p.Tyr2517Asn (NM_001127510.3, NM_001354895.2, NM_001407450.1); c.7495T>A, p.Tyr2499Asn (NM_001127511.3); c.7603T>A, p.Tyr2535Asn (NM_001354896.2, NM_001407447.1, NM_001407448.1 and 1 more transcripts); c.7579T>A, p.Tyr2527Asn (NM_001354897.2); c.7474T>A, p.Tyr2492Asn (NM_001354898.2); c.7465T>A, p.Tyr2489Asn (NM_001354899.2); c.7426T>A, p.Tyr2476Asn (NM_001354900.2); c.7372T>A, p.Tyr2458Asn (NM_001354901.2, NM_001407453.1); and 12 more; short protein forms Y2133N, Y2234N, Y2357N, Y2388N, Y2391N, Y2416N, Y2426N, Y2434N.
Identifiers: ClinVar variation 4805961 (VCV004805961.2).